The following is an entry in ClinVar:

NM_022489.4(INF2):c.3091G>C (p.Ala1031Pro)

Gene: INF2 (inverted formin 2; plus strand). Cytogenetic location: 14q32.33.
Variant type: single nucleotide variant.
Coding change: c.3091G>C on transcript NM_022489.4 (MANE Select); coding-DNA position 3091, G replaced by C.
Protein change: p.Ala1031Pro; replaces alanine 1031 with proline.
Molecular consequence: missense variant.
Genome position (GRCh38, 1-based): chr14:104,714,253, G>C. VCF-style: chr14-104714253-G-C. GRCh37 (hg19) VCF-style: chr14-105180590-G-C.
Other names: c.3091G>C, p.Ala1031Pro (NM_001031714.4); short protein forms A1031P.
Identifiers: ClinVar variation 1448980 (VCV001448980.6), dbSNP rs1050761365, ClinGen allele CA267330524.

ClinVar aggregate classification (germline): Uncertain significance (1 of 4 stars; one submission).

Conditions:
Charcot-Marie-Tooth disease dominant intermediate E. Also called: CHARCOT-MARIE-TOOTH NEUROPATHY WITH FOCAL SEGMENTAL GLOMERULONEPHRITIS. Identifiers: Orphanet 93114, MedGen C4302667, MONDO:0013758, OMIM 614455.
Focal segmental glomerulosclerosis 5 (FSGS5). Identifiers: Orphanet 656, MedGen C2750475, MONDO:0013191, OMIM 613237.

gnomAD v4.1: 8 of 1,588,978 alleles (0.0005%); highest among the groups gnomAD compares: Non-Finnish European, 0.00068%; no homozygotes.

Submission:

Labcorp Genetics (formerly Invitae), Labcorp
Classification: Uncertain significance for Charcot-Marie-Tooth disease dominant intermediate E; Focal segmental glomerulosclerosis 5. Last evaluated: 2021-11-26. Review status: criteria provided, single submitter. Criteria: Invitae Variant Classification Sherloc (09022015). Collection method: clinical testing. Allele origin: germline.
Comment: This sequence change replaces alanine, which is neutral and non-polar, with proline, which is neutral and non-polar, at codon 1031 of the INF2 protein (p.Ala1031Pro). This variant is not present in population databases (gnomAD no frequency). This variant has not been reported in the literature in individuals affected with INF2-related conditions. Algorithms developed to predict the effect of missense changes on protein structure and function output the following: SIFT: "Tolerated"; PolyPhen-2: "Not Available"; Align-GVGD: "Class C0". The proline amino acid residue is found in multiple mammalian species, which suggests that this missense change does not adversely affect protein function. In summary, the available evidence is currently insufficient to determine the role of this variant in disease. Therefore, it has been classified as a Variant of Uncertain Significance.